The following is an entry in ClinVar:

NM_001375524.1(TRRAP):c.800+15T>G

Gene: TRRAP (transformation/transcription domain associated protein; plus strand). Cytogenetic location: 7q22.1.
Variant type: single nucleotide variant.
Coding change: c.800+15T>G on transcript NM_001375524.1 (MANE Select); 15 bases into the intron after coding-DNA position 800, T replaced by G.
Molecular consequence: intron variant.
Genome position (GRCh38, 1-based): chr7:98,899,782, T>G. VCF-style: chr7-98899782-T-G. GRCh37 (hg19) VCF-style: chr7-98497405-T-G.
Other names: c.800+15T>G (NM_001244580.2, NM_003496.4).
Identifiers: ClinVar variation 4881329 (VCV004881329.2).

ClinVar aggregate classification (germline): Uncertain significance (1 of 4 stars; one submission).

Submission:

Dasa
Classification: Uncertain significance. Last evaluated: 2026-04-27. Review status: criteria provided, single submitter. Criteria: DASA Assertion Criteria. Collection method: clinical testing. Allele origin: germline.
Comment: NM_001375524.1(TRRAP):c.800+15T>G is an intronic variant. This variant is rare in population databases. The currently available literature and clinical evidence are not sufficient to establish a definitive association between this variant and the reported condition. Therefore, this variant is classified as a variant of uncertain significance.